The following is an entry in ClinVar:

NM_001844.5(COL2A1):c.2679+1G>T

Gene: COL2A1 (collagen type II alpha 1 chain; minus strand). Cytogenetic location: 12q13.11.
Variant type: single nucleotide variant.
Coding change: c.2679+1G>T on transcript NM_001844.5 (MANE Select); the canonical splice donor site of the intron after coding-DNA position 2679, G replaced by T.
Molecular consequence: splice donor variant.
Genome position (GRCh38, 1-based): chr12:47,980,008, C>A on the plus strand (G>T on the coding strand, the complement: COL2A1 is on the minus strand). VCF-style: chr12-47980008-C-A. GRCh37 (hg19) VCF-style: chr12-48373791-C-A.
Other names: c.2472+1G>T (NM_033150.3).
Identifiers: ClinVar variation 2631494 (VCV002631494.1), dbSNP rs1592205758, ClinGen allele CA384544145.
Genomic context (GRCh38, chr12:47,980,008, plus strand): 5'-GAGCCTCTGGGGCCAGGCCTCTTTGTGAGGTGCAGGGTGGGGTGTCAGAGGCCTCACTCA[C>A]CGGGGGGCCTTGGGCACCTCGGGCTCCTTTAGGACCAGTCACTCCAGTAGGACCCTGGAA-3'

ClinVar aggregate classification (germline): Likely pathogenic (1 of 4 stars; one submission).

Conditions:
COL2A1-related disorder. Also called: COL2A1-related condition; COL2A1-related disorders.

Submission:

PreventionGenetics, part of Exact Sciences
Classification: Likely pathogenic for COL2A1-related condition. Last evaluated: 2023-07-28. Review status: criteria provided, single submitter. Criteria: ACMG Guidelines, 2015. Collection method: clinical testing. Allele origin: germline.
Comment: The COL2A1 c.2679+1G>T variant is predicted to disrupt the GT donor site and interfere with normal splicing. To our knowledge, this variant has not been reported in the literature or in a large population database, indicating this variant is rare. Variants that disrupt the consensus splice donor site in COL2A1 are expected to be pathogenic. This variant is interpreted as likely pathogenic.